The following is an entry in ClinVar:

ClinVar aggregate classification (germline): Uncertain significance (1 of 4 stars; one submission).

Conditions:
Inborn genetic diseases. Identifiers: MedGen C0950123, MeSH D030342.

Submission:

Ambry Genetics
Classification: Uncertain significance for Inborn genetic diseases. Last evaluated: 2026-07-26. Review status: criteria provided, single submitter. Criteria: Ambry Variant Classification Scheme 2023. Collection method: clinical testing. Allele origin: germline.
Comment: The p.V674A variant (also known as c.2021T>C), located in coding exon 20 of the ANKRD26 gene, results from a T to C substitution at nucleotide position 2021. The valine at codon 674 is replaced by alanine, an amino acid with similar properties. This amino acid position is conserved. In addition, this alteration is predicted to be tolerated by in silico analysis. Based on the available evidence, the clinical significance of this variant remains unclear.

NM_014915.3(ANKRD26):c.2021T>C (p.Val674Ala)

Gene: ANKRD26 (ankyrin repeat domain 26; minus strand). Cytogenetic location: 10p12.1.
Variant type: single nucleotide variant.
Coding change: c.2021T>C on transcript NM_014915.3 (MANE Select); coding-DNA position 2021, T replaced by C.
Protein change: p.Val674Ala; replaces valine 674 with alanine.
Molecular consequence: missense variant.
Genome position (GRCh38, 1-based): chr10:27,043,566, A>G on the plus strand (T>C on the coding strand, the complement: ANKRD26 is on the minus strand). VCF-style: chr10-27043566-A-G. GRCh37 (hg19) VCF-style: chr10-27332495-A-G.
Other names: c.2018T>C, p.Val673Ala (NM_001256053.2); short protein forms V673A, V674A.
Identifiers: ClinVar variation 5023314 (VCV005023314.1).
Genomic context (GRCh38, chr10:27,043,566, plus strand): 5'-GCTGTTTCAGATGACTGAGTTAAGTCATCAACATCATCCATAGACTGTATTTGGTTTTTG[A>G]CCTATGAAATAAATAACACTGTTTCAAAATGTCCCCAGAATATTTATAGCACATACAGAA-3'
Protein context (NP_055730.2, residues 664-684): TKKTSNEKNK[Val674Ala]KNQIQSMDDV